The following is an entry in ClinVar:

ClinVar aggregate classification (germline): Uncertain significance (1 of 4 stars; one submission).

gnomAD v4.1: 4 of 1,590,874 alleles (0.00025%); highest among the groups gnomAD compares: Non-Finnish European, 0.00034%; no homozygotes.

Submission:

Labcorp Genetics (formerly Invitae), Labcorp
Classification: Uncertain significance. Last evaluated: 2024-02-23. Review status: criteria provided, single submitter. Criteria: Invitae Variant Classification Sherloc (09022015). Collection method: clinical testing. Allele origin: germline.
Comment: This sequence change replaces glycine, which is neutral and non-polar, with arginine, which is basic and polar, at codon 1066 of the TAOK2 protein (p.Gly1066Arg). This variant is not present in population databases (gnomAD no frequency). This variant has not been reported in the literature in individuals affected with TAOK2-related conditions. ClinVar contains an entry for this variant (Variation ID: 1511148). An algorithm developed to predict the effect of missense changes on protein structure and function (PolyPhen-2) suggests that this variant is likely to be disruptive. In summary, the available evidence is currently insufficient to determine the role of this variant in disease. Therefore, it has been classified as a Variant of Uncertain Significance.

NM_016151.4(TAOK2):c.3196G>C (p.Gly1066Arg)

Gene: TAOK2 (TAO kinase 2; plus strand). Cytogenetic location: 16p11.2.
Variant type: single nucleotide variant.
Coding change: c.3196G>C on transcript NM_016151.4 (MANE Select); coding-DNA position 3196, G replaced by C.
Protein change: p.Gly1066Arg; replaces glycine 1066 with arginine.
Molecular consequence: missense variant. On other transcripts: intron variant (1).
Genome position (GRCh38, 1-based): chr16:29,987,468, G>C. VCF-style: chr16-29987468-G-C. GRCh37 (hg19) VCF-style: chr16-29998789-G-C.
Other names: c.2857G>C, p.Gly953Arg (NM_001252043.2); c.2232+964G>C (NM_004783.4); short protein forms G1066R, G953R.
Identifiers: ClinVar variation 1511148 (VCV001511148.8), dbSNP rs2150905674, ClinGen allele CA395499129.
Genomic context (GRCh38, chr16:29,987,468, plus strand): 5'-GGAGCTGCCTGGCTCTTAGCTTGGCCAGGCCTAGCTCTACCTCTGGTGGCTATGGCAGCG[G>C]GGGGCAGATGGGTGCGGCAGCAGGGCCCCCGGGTGCGCCGGGGCATATCTCGACTCTGGT-3'
Protein context (NP_057235.2, residues 1056-1076): LALPLVAMAA[Gly1066Arg]GRWVRQQGPR